The following is an entry in ClinVar:

ClinVar aggregate classification (germline): Uncertain significance. Review status: criteria provided, multiple submitters, no conflicts (2 of 4 stars). 5 submissions from 3 submitters: Uncertain significance (4). 1 of the submissions does not count toward it. Last evaluated 2024-10-02.

Conditions:
Age related macular degeneration 5. Identifiers: MedGen C3151063, MONDO:0013409, OMIM 613761.
Cockayne syndrome type 2 (CSB). Also called: COCKAYNE SYNDROME B; Cockayne Syndrome, Type II. Identifiers: Orphanet 191, Orphanet 90322, MedGen C0751038, MONDO:0019570, OMIM 133540.
Cerebrooculofacioskeletal syndrome 1 (COFS1). Also called: Cerebro-oculo-facio-skeletal syndrome 1. Identifiers: MedGen C0220722, MONDO:0008955, OMIM 214150.
DE SANCTIS-CACCHIONE SYNDROME. Identifiers: MedGen C0265201, MONDO:0010217, OMIM 278800.
ERCC6-related disorder. Also called: ERCC6-related disorders; ERCC6-related condition. Identifiers: MedGen CN239385.

Allele frequency attached by ClinVar (database versions not stated): gnomAD exomes below 0.00001.

Submissions (5):

PreventionGenetics, part of Exact Sciences
Classification: Uncertain significance for ERCC6-related condition. Last evaluated: 2024-10-02. Review status: criteria provided, single submitter. Criteria: ACMG Guidelines, 2015. Collection method: clinical testing. Allele origin: germline.
Comment: The ERCC6 c.1280T>C variant is predicted to result in the amino acid substitution p.Phe427Ser. To our knowledge, this variant has not been reported in the literature or in a large population database, indicating this variant is rare. At this time, the clinical significance of this variant is uncertain due to the absence of conclusive functional and genetic evidence.

Illumina Laboratory Services, Illumina
Classification: Uncertain significance for Cerebrooculofacioskeletal syndrome 1. Last evaluated: 2018-01-13. Review status: criteria provided, single submitter. Criteria: ICSL Variant Classification Criteria 13 December 2019. Collection method: clinical testing. Allele origin: germline.

Illumina Laboratory Services, Illumina
Classification: Uncertain significance for Age related macular degeneration 5. Last evaluated: 2018-01-13. Review status: criteria provided, single submitter. Criteria: ICSL Variant Classification Criteria 13 December 2019. Collection method: clinical testing. Allele origin: germline.

Illumina Laboratory Services, Illumina
Classification: Uncertain significance for Cockayne syndrome type 2. Last evaluated: 2018-01-13. Review status: criteria provided, single submitter. Criteria: ICSL Variant Classification Criteria 13 December 2019. Collection method: clinical testing. Allele origin: germline.

Counsyl
Classification: Uncertain significance for Cockayne syndrome type 2; Cerebrooculofacioskeletal syndrome 1; DE SANCTIS-CACCHIONE SYNDROME. Last evaluated: 2017-04-28. Review status: no assertion criteria provided. Collection method: clinical testing. Allele origin: unknown. Not counted in ClinVar's aggregate classification.

NM_000124.4(ERCC6):c.1280T>C (p.Phe427Ser)

Genes: ERCC6 (ERCC excision repair 6, chromatin remodeling factor; minus strand), PGBD3 (piggyBac transposable element derived 3; minus strand). Cytogenetic location: 10q11.23.
Variant type: single nucleotide variant.
Coding change: c.1280T>C on transcript NM_000124.4 (MANE Select); coding-DNA position 1280, T replaced by C.
Protein change: p.Phe427Ser; replaces phenylalanine 427 with serine.
Molecular consequence: missense variant. On other transcripts: 5 prime UTR variant (1).
Genome position (GRCh38, 1-based): chr10:49,524,150, A>G on the plus strand (T>C on the coding strand, the complement: ERCC6 is on the minus strand). VCF-style: chr10-49524150-A-G. GRCh37 (hg19) VCF-style: chr10-50732196-A-G.
Other names: c.1280T>C, p.Phe427Ser (NM_001277058.2, NM_001277059.2, NM_001346440.2); c.-125T>C (NM_170753.3); short protein forms F427S.
Identifiers: ClinVar variation 300082 (VCV000300082.7), dbSNP rs886047038, ClinGen allele CA10628663.